The following is an entry in ClinVar:

NM_000059.4(BRCA2):c.9317G>A (p.Trp3106Ter)

Gene: BRCA2 (BRCA2 DNA repair associated; plus strand). Cytogenetic location: 13q13.1.
Variant type: single nucleotide variant.
Coding change: c.9317G>A on transcript NM_000059.4 (MANE Select); coding-DNA position 9317, G replaced by A.
Protein change: p.Trp3106Ter; replaces tryptophan 3106 with a stop codon.
Molecular consequence: nonsense.
Genome position (GRCh38, 1-based): chr13:32,394,749, G>A. VCF-style: chr13-32394749-G-A. GRCh37 (hg19) VCF-style: chr13-32968886-G-A.
Other names: short protein forms W3106*.
Identifiers: ClinVar variation 52814 (VCV000052814.21), dbSNP rs80359205, ClinGen allele CA026103.

ClinVar aggregate classification (germline): Pathogenic. Review status: reviewed by expert panel (3 of 4 stars). 12 submissions from 12 submitters: Pathogenic (1). 11 of the submissions do not count toward it. Last evaluated 2016-09-08.

Conditions:
Hereditary breast ovarian cancer syndrome. Also called: Breast and ovarian cancer; Hereditary breast and ovarian cancer; BRCA1- and BRCA2-Associated Hereditary Breast and Ovarian Cancer; Hereditary breast and ovarian cancer syndrome (HBOC); Hereditary breast and/or ovarian cancer syndrome; Hereditary breast and ovarian cancer syndrome. Identifiers: Orphanet 145, MedGen C0677776, MeSH D061325, MONDO:0003582. Disease mechanism: loss of function.
Breast-ovarian cancer, familial, susceptibility to, 2 (BROVCA2). Also called: BRCA2 Hereditary Breast and Ovarian Cancer. Identifiers: Orphanet 145, MedGen C2675520, MONDO:0012933, OMIM 612555. Disease mechanism: loss of function.
Inherited ovarian cancer (without breast cancer).
Familial cancer of breast. Also called: BREAST CANCER, FAMILIAL; hereditary breast carcinoma; Hereditary breast cancer. Identifiers: Orphanet 227535, MedGen C0346153, MONDO:0016419, OMIM 114480. Disease mechanism: loss of function.
Breast carcinoma. Also called: Carcinoma of breast. Identifiers: MedGen C0678222, MONDO:0004989, HP:0003002.
Hereditary cancer-predisposing syndrome. Also called: Hereditary neoplastic syndrome; Tumor predisposition; Hereditary Cancer Syndrome; Neoplastic Syndromes, Hereditary. Identifiers: Orphanet 140162, MedGen C0027672, MeSH D009386, MONDO:0015356.

Submissions (12):

Evidence-based Network for the Interpretation of Germline Mutant Alleles (ENIGMA)
Classification: Pathogenic for Breast-ovarian cancer, familial, susceptibility to, 2. Last evaluated: 2016-09-08. Review status: reviewed by expert panel. Criteria: ENIGMA BRCA1/2 Classification Criteria (2015). Collection method: curation. Allele origin: germline.
Comment: Variant allele predicted to encode a truncated non-functional protein.

Genetics Laboratory, Great Ormond Street Hospital NHS Foundation Trust, North Thames Genomic Laboratory Hub
Classification: Pathogenic for Inherited ovarian cancer (without breast cancer). Last evaluated: 2026-08-19. Review status: criteria provided, single submitter. Criteria: CanVIG BRCA Gene Specific V1.22. Collection method: clinical testing. Allele origin: germline. Affected: yes. Not counted in ClinVar's aggregate classification.
Comment: PS4_moderate, PM2_moderate, PVS1_very-strong, PM5_strong

Ambry Genetics
Classification: Pathogenic for Hereditary cancer-predisposing syndrome. Last evaluated: 2026-05-07. Review status: criteria provided, single submitter. Criteria: Ambry Variant Classification Scheme 2023. Collection method: clinical testing. Allele origin: germline. Not counted in ClinVar's aggregate classification.
Comment: The p.W3106* pathogenic mutation (also known as c.9317G>A), located in coding exon 24 of the BRCA2 gene, results from a G to A substitution at nucleotide position 9317. This changes the amino acid from a tryptophan to a stop codon within coding exon 24. This variant was reported in individual(s) with features consistent with hereditary breast and ovarian cancer syndrome (Zorrieh Zahra A et al. Int J Mol Cell Med. 2016 May;5:114-22; Zhang J et al. Breast Cancer Res. Treat. 2016 08;158:455-62; Sun J et al. Clin. Cancer Res. 2017 Oct;23:6113-6119; Ibrahim M et al. BMC Cancer 2018 02;18:179; Liang Y et al. Med. Sci. Monit. 2018 Apr;24:2465-2475; Rebbeck TR et al. Hum. Mutat. 2018 05;39:593-620; Bhaskaran SP et al. Int. J. Cancer 2019 Jan). This variant is considered to be rare based on population cohorts in the Genome Aggregation Database (gnomAD). This alteration is expected to result in loss of function by premature protein truncation or nonsense-mediated mRNA decay. As such, this alteration is interpreted as a disease-causing mutation.

Center for Genomic Medicine, Rigshospitalet, Copenhagen University Hospital
Classification: Pathogenic. Last evaluated: 2025-12-29. Review status: criteria provided, single submitter. Criteria: ACMG Guidelines, 2015. Collection method: clinical testing. Allele origin: germline. Not counted in ClinVar's aggregate classification.
Comment: Classification criteria: PVS1, PM5, PM2_supporting

Department of Clinical Genetics, Copenhagen University Hospital, Rigshospitalet
Classification: Pathogenic for Familial cancer of breast. Last evaluated: 2025-08-28. Review status: criteria provided, single submitter. Criteria: ACMG Guidelines, 2015. Collection method: clinical testing. Allele origin: germline. Not counted in ClinVar's aggregate classification.
Comment: The following ACMG criteria has been used: PM2_SUP; PVS1; PM5_Strong (PTC)

Institute of Medical Genetics and Applied Genomics, University Hospital Tübingen
Classification: Pathogenic for Familial cancer of breast. Last evaluated: 2024-02-27. Review status: criteria provided, single submitter. Criteria: ACMG Guidelines, 2015. Collection method: clinical testing. Allele origin: germline. Inheritance: Autosomal dominant inheritance. Affected: yes. Not counted in ClinVar's aggregate classification.

Labcorp Genetics (formerly Invitae), Labcorp
Classification: Pathogenic for Hereditary breast ovarian cancer syndrome. Last evaluated: 2022-03-12. Review status: criteria provided, single submitter. Criteria: Invitae Variant Classification Sherloc (09022015). Collection method: clinical testing. Allele origin: germline. Not counted in ClinVar's aggregate classification.
Comment: This sequence change creates a premature translational stop signal (p.Trp3106*) in the BRCA2 gene. It is expected to result in an absent or disrupted protein product. Loss-of-function variants in BRCA2 are known to be pathogenic (PMID: 20104584). For these reasons, this variant has been classified as Pathogenic. ClinVar contains an entry for this variant (Variation ID: 52814). This premature translational stop signal has been observed in individual(s) with with clinical features of hereditary breast and ovarian cancer syndrome (PMID: 27257965, 27478808, 28724667, 30702160). This variant is not present in population databases (gnomAD no frequency).

GeneKor MSA
Classification: Pathogenic for Hereditary Breast Carcinoma. Last evaluated: 2020-01-01. Review status: criteria provided, single submitter. Criteria: ACMG Guidelines, 2015. Collection method: clinical testing. Allele origin: germline. Affected: yes. Not counted in ClinVar's aggregate classification.
Comment: This sequence change creates a premature translational stop signal at codon 3106 of the BRCA2 protein. It is expected to result in an absent or disrupted protein product. Truncating mutations in BRCA2 are known to be pathogenic. This variant is listed in the mutation database ClinVar (Variation ID: 52814/).

Consortium of Investigators of Modifiers of BRCA1/2 (CIMBA), c/o University of Cambridge
Classification: Pathogenic for Breast-ovarian cancer, familial, susceptibility to, 2. Last evaluated: 2015-10-02. Review status: criteria provided, single submitter. Criteria: CIMBA Mutation Classification guidelines May 2016. Collection method: clinical testing. Allele origin: germline. Not counted in ClinVar's aggregate classification.

Medical Genetics Laboratory, Umraniye Training and Research Hospital, University of Health Sciences
Classification: Pathogenic for Breast carcinoma. Last evaluated: 2021-09-11. Review status: no assertion criteria provided. Collection method: clinical testing. Allele origin: germline. Inheritance: Autosomal dominant inheritance. Affected: yes. Observed: 1 heterozygote. Not counted in ClinVar's aggregate classification.

Research Molecular Genetics Laboratory, Women's College Hospital, University of Toronto
Classification: Pathogenic for Hereditary breast ovarian cancer syndrome. Last evaluated: 2014-01-31. Review status: no assertion criteria provided. Collection method: research. Allele origin: germline. Affected: yes. Study: The Canadian Open Genetics Repository (COGR). Not counted in ClinVar's aggregate classification.

Breast Cancer Information Core (BIC) (BRCA2)
Classification: Pathogenic for Breast-ovarian cancer, familial 2. Last evaluated: 2003-12-23. Review status: no assertion criteria provided. Collection method: clinical testing. Allele origin: germline. Affected: yes. Observed: 1 variant allele. Not counted in ClinVar's aggregate classification.

Literature cited by the submitters: PubMed 27393621 (cited by Ambry Genetics); PubMed 27478808 (cited by Ambry Genetics and Labcorp Genetics (formerly Invitae), Labcorp); PubMed 28724667 (cited by Ambry Genetics and Labcorp Genetics (formerly Invitae), Labcorp); PubMed 29433453 (cited by Ambry Genetics); PubMed 29446198 (cited by Ambry Genetics); PubMed 29681614 (cited by Ambry Genetics); PubMed 30702160 (cited by Ambry Genetics and Labcorp Genetics (formerly Invitae), Labcorp); PubMed 38219492 (cited by Center for Genomic Medicine, Rigshospitalet, Copenhagen University Hospital); PubMed 20104584 (cited by Labcorp Genetics (formerly Invitae), Labcorp); PubMed 27257965 (cited by Labcorp Genetics (formerly Invitae), Labcorp).